The following is an entry in ClinVar:

NM_000057.4(BLM):c.3307G>A (p.Val1103Ile)

Gene: BLM (BLM RecQ like helicase; plus strand). Cytogenetic location: 15q26.1.
Variant type: single nucleotide variant.
Coding change: c.3307G>A on transcript NM_000057.4 (MANE Select); coding-DNA position 3307, G replaced by A.
Protein change: p.Val1103Ile; replaces valine 1103 with isoleucine.
Molecular consequence: missense variant.
Genome position (GRCh38, 1-based): chr15:90,798,286, G>A. VCF-style: chr15-90798286-G-A. GRCh37 (hg19) VCF-style: chr15-91341516-G-A.
Other names: c.3307G>A (NM_000057.2); c.3307G>A, p.Val1103Ile (NM_001287246.2, NM_001287247.2); c.2182G>A, p.Val728Ile (NM_001287248.2); short protein forms V728I, V1103I.
Identifiers: ClinVar variation 967571 (VCV000967571.12), dbSNP rs748331529, ClinGen allele CA7738984.

ClinVar aggregate classification (germline): Conflicting classifications of pathogenicity. Review status: criteria provided, conflicting classifications (1 of 4 stars). 3 submissions from 3 submitters: Uncertain significance (1); Likely benign (1). 1 of the submissions does not count toward it. Last evaluated 2025-02-17.

Conditions:
Hereditary cancer-predisposing syndrome. Also called: Hereditary neoplastic syndrome; Neoplastic Syndromes, Hereditary; Hereditary Cancer Syndrome; Tumor predisposition. Identifiers: Orphanet 140162, MedGen C0027672, MeSH D009386, MONDO:0015356.
Bloom syndrome (BLM). Also called: Bloom-Torre-Machacek syndrome. Identifiers: Orphanet 125, MedGen C0005859, MONDO:0008876, OMIM 210900.

Allele frequency attached by ClinVar (database versions not stated): gnomAD exomes below 0.00001; ExAC 0.00001; gnomAD 0.00001; TOPMed 0.00001.
gnomAD v4.1: 4 of 1,612,808 alleles (0.00025%); highest among the groups gnomAD compares: African/African-American, 0.004%; no homozygotes.

Submissions (3):

Labcorp Genetics (formerly Invitae), Labcorp
Classification: Uncertain significance for Bloom syndrome. Last evaluated: 2025-02-17. Review status: criteria provided, single submitter. Criteria: Invitae Variant Classification Sherloc (09022015). Collection method: clinical testing. Allele origin: germline.
Comment: This sequence change replaces valine, which is neutral and non-polar, with isoleucine, which is neutral and non-polar, at codon 1103 of the BLM protein (p.Val1103Ile). This variant is present in population databases (rs748331529, gnomAD 0.003%). This variant has not been reported in the literature in individuals affected with BLM-related conditions. ClinVar contains an entry for this variant (Variation ID: 967571). An algorithm developed to predict the effect of missense changes on protein structure and function outputs the following: PolyPhen-2: "Benign". The isoleucine amino acid residue is found in multiple mammalian species, which suggests that this missense change does not adversely affect protein function. In summary, the available evidence is currently insufficient to determine the role of this variant in disease. Therefore, it has been classified as a Variant of Uncertain Significance.

Ambry Genetics
Classification: Likely benign for Hereditary cancer-predisposing syndrome. Last evaluated: 2022-04-03. Review status: criteria provided, single submitter. Criteria: Ambry Variant Classification Scheme 2023. Collection method: clinical testing. Allele origin: germline.

Natera, Inc.
Classification: Uncertain significance for Bloom syndrome. Last evaluated: 2021-03-04. Review status: no assertion criteria provided. Collection method: clinical testing. Allele origin: germline. Not counted in ClinVar's aggregate classification.